The following is an entry in ClinVar:

NM_000784.4(CYP27A1):c.1025A>C (p.Asn342Thr)

Gene: CYP27A1 (cytochrome P450 family 27 subfamily A member 1; plus strand). Cytogenetic location: 2q35.
Variant type: single nucleotide variant.
Coding change: c.1025A>C on transcript NM_000784.4 (MANE Select); coding-DNA position 1025, A replaced by C.
Protein change: p.Asn342Thr; replaces asparagine 342 with threonine.
Molecular consequence: missense variant.
Genome position (GRCh38, 1-based): chr2:218,814,028, A>C. VCF-style: chr2-218814028-A-C. GRCh37 (hg19) VCF-style: chr2-219678751-A-C.
Other names: short protein forms N342T.
Identifiers: ClinVar variation 4236788 (VCV004236788.1).

ClinVar aggregate classification (germline): Uncertain significance (1 of 4 stars; one submission).

Conditions:
Cardiovascular phenotype. Identifiers: MedGen CN230736.

gnomAD v4.1: 14 of 1,614,012 alleles (0.00087%); highest among the groups gnomAD compares: Non-Finnish European, 0.0012%; no homozygotes.

Submission:

Ambry Genetics
Classification: Uncertain significance for Cardiovascular phenotype. Last evaluated: 2025-08-03. Review status: criteria provided, single submitter. Criteria: Ambry Variant Classification Scheme 2023. Collection method: clinical testing. Allele origin: germline.
Comment: The p.N342T variant (also known as c.1025A>C), located in coding exon 6 of the CYP27A1 gene, results from an A to C substitution at nucleotide position 1025. The asparagine at codon 342 is replaced by threonine, an amino acid with similar properties. This amino acid position is conserved. In addition, the in silico prediction for this alteration is inconclusive. Based on the available evidence, the clinical significance of this variant remains unclear.